The following is an entry in ClinVar:

ClinVar aggregate classification (germline): Uncertain significance (1 of 4 stars; one submission).

Submission:

Labcorp Genetics (formerly Invitae), Labcorp
Classification: Uncertain significance. Last evaluated: 2024-10-22. Review status: criteria provided, single submitter. Criteria: Invitae Variant Classification Sherloc (09022015). Collection method: clinical testing. Allele origin: germline.
Comment: This sequence change replaces proline, which is neutral and non-polar, with leucine, which is neutral and non-polar, at codon 1870 of the SRCAP protein (p.Pro1870Leu). This variant is not present in population databases (gnomAD no frequency). This variant has not been reported in the literature in individuals affected with SRCAP-related conditions. Invitae Evidence Modeling of protein sequence and biophysical properties (such as structural, functional, and spatial information, amino acid conservation, physicochemical variation, residue mobility, and thermodynamic stability) indicates that this missense variant is not expected to disrupt SRCAP protein function with a negative predictive value of 80%. In summary, the available evidence is currently insufficient to determine the role of this variant in disease. Therefore, it has been classified as a Variant of Uncertain Significance.

NM_006662.3(SRCAP):c.5609C>T (p.Pro1870Leu)

Gene: SRCAP (Snf2 related CREBBP activator protein; plus strand). Cytogenetic location: 16p11.2.
Variant type: single nucleotide variant.
Coding change: c.5609C>T on transcript NM_006662.3 (MANE Select); coding-DNA position 5609, C replaced by T.
Protein change: p.Pro1870Leu; replaces proline 1870 with leucine.
Molecular consequence: missense variant.
Genome position (GRCh38, 1-based): chr16:30,725,033, C>T. VCF-style: chr16-30725033-C-T. GRCh37 (hg19) VCF-style: chr16-30736354-C-T.
Other names: short protein forms P1870L.
Identifiers: ClinVar variation 3655285 (VCV003655285.2).